The following is an entry in ClinVar:

ClinVar aggregate classification (germline): Uncertain significance. Review status: criteria provided, multiple submitters, no conflicts (2 of 4 stars). 3 submissions from 3 submitters: Uncertain significance (3). Last evaluated 2025-06-03.

Conditions:
Familial adenomatous polyposis 1 (FAP1). Also called: POLYPOSIS, ADENOMATOUS INTESTINAL; FAMILIAL ADENOMATOUS POLYPOSIS 1, ATTENUATED. Identifiers: MedGen C2713442, MONDO:0021056, OMIM 175100. Disease mechanism: loss of function.
Hereditary cancer-predisposing syndrome. Also called: Tumor predisposition; Hereditary Cancer Syndrome; Neoplastic Syndromes, Hereditary; Hereditary neoplastic syndrome. Identifiers: Orphanet 140162, MedGen C0027672, MeSH D009386, MONDO:0015356.

Allele frequency attached by ClinVar (database versions not stated): gnomAD exomes below 0.00001.
gnomAD v4.1: 1 of 1,614,132 alleles (0.000062%); highest among the groups gnomAD compares: South Asian, 0.0011%; no homozygotes.

Submissions (3):

Labcorp Genetics (formerly Invitae), Labcorp
Classification: Uncertain significance for Familial adenomatous polyposis 1. Last evaluated: 2025-06-03. Review status: criteria provided, single submitter. Criteria: Invitae Variant Classification Sherloc (09022015). Collection method: clinical testing. Allele origin: germline.
Comment: This sequence change replaces cysteine, which is neutral and slightly polar, with phenylalanine, which is neutral and non-polar, at codon 995 of the APC protein (p.Cys995Phe). This variant is present in population databases (no rsID available, gnomAD 0.003%). This variant has not been reported in the literature in individuals affected with APC-related conditions. ClinVar contains an entry for this variant (Variation ID: 1332432). Invitae Evidence Modeling of protein sequence and biophysical properties (such as structural, functional, and spatial information, amino acid conservation, physicochemical variation, residue mobility, and thermodynamic stability) indicates that this missense variant is not expected to disrupt APC protein function with a negative predictive value of 95%. In summary, the available evidence is currently insufficient to determine the role of this variant in disease. Therefore, it has been classified as a Variant of Uncertain Significance.

Ambry Genetics
Classification: Uncertain significance for Hereditary cancer-predisposing syndrome. Last evaluated: 2024-03-06. Review status: criteria provided, single submitter. Criteria: Ambry Variant Classification Scheme 2023. Collection method: clinical testing. Allele origin: germline.
Comment: The p.C995F variant (also known as c.2984G>T), located in coding exon 15 of the APC gene, results from a G to T substitution at nucleotide position 2984. The cysteine at codon 995 is replaced by phenylalanine, an amino acid with highly dissimilar properties. This amino acid position is conserved. In addition, in silico predictors for this gene do not accurately predict pathogenicity. Based on the available evidence, the clinical significance of this alteration remains unclear.

Color Diagnostics, LLC DBA Color Health
Classification: Uncertain significance for Hereditary cancer-predisposing syndrome. Last evaluated: 2024-03-06. Review status: criteria provided, single submitter. Criteria: ACMG Guidelines, 2015. Collection method: clinical testing. Allele origin: germline.
Comment: This missense variant replaces cysteine with phenylalanine at codon 995 of the APC protein. Computational prediction suggests that this variant may not impact protein structure and function (internally defined REVEL score threshold <= 0.5, PMID: 27666373). To our knowledge, functional studies have not been reported for this variant. This variant has not been reported in individuals affected with hereditary cancer in the literature. This variant has been identified in 1/251318 chromosomes in the general population by the Genome Aggregation Database (gnomAD). The available evidence is insufficient to determine the role of this variant in disease conclusively. Therefore, this variant is classified as a Variant of Uncertain Significance.

NM_000038.6(APC):c.2984G>T (p.Cys995Phe)

Gene: APC (APC regulator of Wnt signaling pathway; plus strand). Cytogenetic location: 5q22.2.
Variant type: single nucleotide variant.
Coding change: c.2984G>T on transcript NM_000038.6 (MANE Select); coding-DNA position 2984, G replaced by T.
Protein change: p.Cys995Phe; replaces cysteine 995 with phenylalanine.
Molecular consequence: missense variant.
Genome position (GRCh38, 1-based): chr5:112,838,578, G>T. VCF-style: chr5-112838578-G-T. GRCh37 (hg19) VCF-style: chr5-112174275-G-T.
Other names: c.2984G>T, p.Cys995Phe (NM_001127510.3, NM_001354895.2); c.2930G>T, p.Cys977Phe (NM_001127511.3); c.3038G>T, p.Cys1013Phe (NM_001354896.2); c.3014G>T, p.Cys1005Phe (NM_001354897.2); c.2909G>T, p.Cys970Phe (NM_001354898.2); c.2900G>T, p.Cys967Phe (NM_001354899.2); c.2861G>T, p.Cys954Phe (NM_001354900.2); c.2807G>T, p.Cys936Phe (NM_001354901.2); and 5 more; short protein forms C1005F, C1013F, C712F, C835F, C869F, C894F, C904F, C936F.
Identifiers: ClinVar variation 1332432 (VCV001332432.9), dbSNP rs1298840660, ClinGen allele CA16027859.